The following is an entry in ClinVar:

ClinVar aggregate classification (germline): Uncertain significance (1 of 4 stars; one submission).

Allele frequency attached by ClinVar (database versions not stated): gnomAD exomes below 0.00001; ExAC 0.00001.
gnomAD v4.1: 2 of 1,613,718 alleles (0.00012%); highest among the groups gnomAD compares: South Asian, 0.0011%; no homozygotes.

Submission:

Ambry Genetics
Classification: Uncertain significance. Last evaluated: 2023-07-30. Review status: criteria provided, single submitter. Criteria: Ambry Variant Classification Scheme 2023. Collection method: clinical testing. Allele origin: germline.
Comment: The p.D768E variant (also known as c.2304T>A), located in coding exon 12 of the PALLD gene, results from a T to A substitution at nucleotide position 2304. The aspartic acid at codon 768 is replaced by glutamic acid, an amino acid with highly similar properties. This amino acid position is conserved. In addition, this alteration is predicted to be tolerated by in silico analysis. Since supporting evidence is limited at this time, the clinical significance of this alteration remains unclear.

NM_001166108.2(PALLD):c.2355T>A (p.Asp785Glu)

Genes: CBR4 (carbonyl reductase 4; minus strand), PALLD (palladin, cytoskeletal associated protein; plus strand). Cytogenetic location: 4q32.3.
Variant type: single nucleotide variant.
Coding change: c.2355T>A on transcript NM_001166108.2 (MANE Select); coding-DNA position 2355, T replaced by A.
Protein change: p.Asp785Glu; replaces aspartic acid 785 with glutamic acid.
Molecular consequence: missense variant.
Genome position (GRCh38, 1-based): chr4:168,898,597, T>A. VCF-style: chr4-168898597-T-A. GRCh37 (hg19) VCF-style: chr4-169819748-T-A.
Other names: c.1158T>A, p.Asp386Glu (NM_001166109.2); c.843T>A, p.Asp281Glu (NM_001166110.2); c.183T>A, p.Asp61Glu (NM_001367567.1, NM_001367569.1); c.234T>A, p.Asp78Glu (NM_001367568.1, NM_001367570.1); c.2304T>A, p.Asp768Glu (NM_016081.4); short protein forms D386E, D78E, D768E, D281E, D61E, D785E.
Identifiers: ClinVar variation 2625563 (VCV002625563.2), dbSNP rs767206653, ClinGen allele CA3135875.
Genomic context (GRCh38, chr4:168,898,597, plus strand): 5'-AGAGTACAGGCTAGAAAGGTCTCCTGTGGATGAATCAGGTGATGAAGTTCAGTATGGAGA[T>A]GTGCCTGTGGAAAATGGAATGGCACCATTCTTTGAGATGAAGCTGAAACATTACAAGATC-3'
Protein context (NP_001159580.1, residues 775-795): DESGDEVQYG[Asp785Glu]VPVENGMAPF